The following is an entry in ClinVar:

NM_002025.4(AFF2):c.670T>A (p.Ser224Thr)

Gene: AFF2 (ALF transcription elongation factor 2; plus strand). Cytogenetic location: Xq28.
Variant type: single nucleotide variant.
Coding change: c.670T>A on transcript NM_002025.4 (MANE Select); coding-DNA position 670, T replaced by A.
Protein change: p.Ser224Thr; replaces serine 224 with threonine.
Molecular consequence: missense variant.
Genome position (GRCh38, 1-based): chrX:148,662,397, T>A. VCF-style: chrX-148662397-T-A. GRCh37 (hg19) VCF-style: chrX-147743918-T-A.
Other names: c.658T>A, p.Ser220Thr (NM_001169122.2, NM_001169123.2, NM_001169125.2); c.670T>A, p.Ser224Thr (NM_001169124.2); short protein forms S220T, S224T.
Identifiers: ClinVar variation 2503246 (VCV002503246.1), dbSNP rs1438168791, ClinGen allele CA414509739.
Genomic context (GRCh38, chrX:148,662,397, plus strand): 5'-CCCCAGATTGGAGAAGTTGAAGAGTCAAACCCATCTGCAAAGGAAGACAGTAACCCTAAT[T>A]CTAGTGGAGAAGATGCTTTCAAAGAAATCTTTCAATCCAATTCACCGGAAGAATCTGAAT-3'
Protein context (NP_002016.2, residues 214-234): PSAKEDSNPN[Ser224Thr]SGEDAFKEIF

ClinVar aggregate classification (germline): Uncertain significance (1 of 4 stars; one submission).

Allele frequency attached by ClinVar (database versions not stated): gnomAD exomes below 0.00001; gnomAD 0.00001; TOPMed 0.00001.
gnomAD v4.1: 2 of 1,210,202 alleles (0.00017%); highest among the groups gnomAD compares: African/African-American, 0.0035%; no homozygotes.

Submission:

GeneDx
Classification: Uncertain significance. Last evaluated: 2023-05-20. Review status: criteria provided, single submitter. Criteria: GeneDx Variant Classification Process June 2021. Collection method: clinical testing. Allele origin: germline. Affected: yes.
Comment: Not observed in large population cohorts (gnomAD); In silico analysis supports that this missense variant does not alter protein structure/function; Has not been previously published as pathogenic or benign to our knowledge